The following is an entry in ClinVar:

NM_004984.4(KIF5A):c.788G>A (p.Gly263Asp)

Gene: KIF5A (kinesin family member 5A; plus strand). Cytogenetic location: 12q13.3.
Variant type: single nucleotide variant.
Coding change: c.788G>A on transcript NM_004984.4 (MANE Select); coding-DNA position 788, G replaced by A.
Protein change: p.Gly263Asp; replaces glycine 263 with aspartic acid.
Molecular consequence: missense variant.
Genome position (GRCh38, 1-based): chr12:57,569,036, G>A. VCF-style: chr12-57569036-G-A. GRCh37 (hg19) VCF-style: chr12-57962819-G-A.
Other names: c.521G>A, p.Gly174Asp (NM_001354705.2); short protein forms G174D, G263D.
Identifiers: ClinVar variation 1695912 (VCV001695912.7), dbSNP rs2140162605, ClinGen allele CA385500195.

ClinVar aggregate classification (germline): Uncertain significance. Review status: criteria provided, single submitter (1 of 4 stars). 2 submissions from 2 submitters: Uncertain significance (1). 1 of the submissions does not count toward it. Last evaluated 2023-09-19.

Conditions:
Spastic paraplegia. Identifiers: MedGen C0037772, HP:0001258.
Hereditary spastic paraplegia 10 (SPG10). Also called: SPASTIC PARAPLEGIA 10, AUTOSOMAL DOMINANT; SPASTIC PARAPLEGIA 10 WITH OR WITHOUT PERIPHERAL NEUROPATHY; SPASTIC PARAPLEGIA 10 WITH PERIPHERAL NEUROPATHY. Identifiers: Orphanet 100991, MedGen C1858712, MONDO:0011408, OMIM 604187.

Submissions (2):

Labcorp Genetics (formerly Invitae), Labcorp
Classification: Uncertain significance for Spastic paraplegia. Last evaluated: 2023-09-19. Review status: criteria provided, single submitter. Criteria: Invitae Variant Classification Sherloc (09022015). Collection method: clinical testing. Allele origin: germline.
Comment: This sequence change replaces glycine, which is neutral and non-polar, with aspartic acid, which is acidic and polar, at codon 263 of the KIF5A protein (p.Gly263Asp). In summary, the available evidence is currently insufficient to determine the role of this variant in disease. Therefore, it has been classified as a Variant of Uncertain Significance. Advanced modeling of protein sequence and biophysical properties (such as structural, functional, and spatial information, amino acid conservation, physicochemical variation, residue mobility, and thermodynamic stability) performed at Invitae indicates that this missense variant is expected to disrupt KIF5A protein function. ClinVar contains an entry for this variant (Variation ID: 1695912). This variant has not been reported in the literature in individuals affected with KIF5A-related conditions. This variant is not present in population databases (gnomAD no frequency).

Concord Molecular Medicine Laboratory, Concord Repatriation General Hospital
Classification: Likely pathogenic for Hereditary spastic paraplegia 10. Last evaluated: 2022-02-09. Review status: no assertion criteria provided. Collection method: clinical testing. Allele origin: germline. Inheritance: Autosomal dominant inheritance. Affected: yes. Observed: 1 heterozygote. Not counted in ClinVar's aggregate classification.
Comment: This missense substitution predicts an amino acid change from glycine (Gly) to aspartic acid (Asp) in codon 263 of the KIF5A protein, p.(Gly263Asp). KIF5A mutations causes autosomal dominant spastic paraplegia 10 (SPG10) with or without peripheral neuropathy. This variant is not found in control population (gnomAD) and it segregates with the disease in a family. It is located within the kinesin motor domain. In silico analysis by REVEL (score: 0.907) suggests this variant to be damaging, and missense substitutions in KIF5A are a common cause of SPG10 (gnomAD Z score: 3.6). The current evidence allows a classification of the variant as “likely pathogenic” (ACMG criteria: PP1_strong, PM1, PM2_supporting, PP2, PP3).